The following is an entry in ClinVar:

ClinVar aggregate classification (germline): Uncertain significance (1 of 4 stars; one submission).

Conditions:
Hyper-IgM syndrome type 1. Also called: Hyper-IgM Immunodeficiency Syndrome, Type 1; Immunodeficiency, X-linked, with hyper-IgM; CD40 Ligand Deficiency; X-linked hyper-IgM syndrome. Identifiers: Orphanet 101088, MedGen C0398689, MONDO:0010626, OMIM 308230.

Allele frequency attached by ClinVar (database versions not stated): gnomAD exomes 0.00001 and 0.00002; TOPMed 0.00001; gnomAD 0.00002; ExAC 0.00003; ESP Exome Variant Server 0.00009.
gnomAD v4.1: 8 of 1,209,691 alleles (0.00066%); highest among the groups gnomAD compares: East Asian, 0.003%; no homozygotes.

Submission:

Labcorp Genetics (formerly Invitae), Labcorp
Classification: Uncertain significance for Hyper-IgM syndrome type 1. Last evaluated: 2025-05-19. Review status: criteria provided, single submitter. Criteria: Invitae Variant Classification Sherloc (09022015). Collection method: clinical testing. Allele origin: germline.
Comment: This sequence change replaces serine, which is neutral and polar, with leucine, which is neutral and non-polar, at codon 184 of the CD40LG protein (p.Ser184Leu). This variant is present in population databases (rs371041193, gnomAD 0.005%), including at least one homozygous and/or hemizygous individual. This variant has not been reported in the literature in individuals affected with CD40LG-related conditions. ClinVar contains an entry for this variant (Variation ID: 842967). Invitae Evidence Modeling of protein sequence and biophysical properties (such as structural, functional, and spatial information, amino acid conservation, physicochemical variation, residue mobility, and thermodynamic stability) indicates that this missense variant is not expected to disrupt CD40LG protein function with a negative predictive value of 80%. In summary, the available evidence is currently insufficient to determine the role of this variant in disease. Therefore, it has been classified as a Variant of Uncertain Significance.

NM_000074.3(CD40LG):c.551C>T (p.Ser184Leu)

Gene: CD40LG (CD40 ligand; plus strand). Cytogenetic location: Xq26.3.
Variant type: single nucleotide variant.
Coding change: c.551C>T on transcript NM_000074.3 (MANE Select); coding-DNA position 551, C replaced by T.
Protein change: p.Ser184Leu; replaces serine 184 with leucine.
Molecular consequence: missense variant.
Genome position (GRCh38, 1-based): chrX:136,659,180, C>T. VCF-style: chrX-136659180-C-T. GRCh37 (hg19) VCF-style: chrX-135741339-C-T.
Other names: short protein forms S184L.
Identifiers: ClinVar variation 842967 (VCV000842967.10), dbSNP rs371041193, ClinGen allele CA10528158.